The following is an entry in ClinVar:

NM_004415.4(DSP):c.5875T>C (p.Trp1959Arg)

Gene: DSP (desmoplakin; plus strand). Cytogenetic location: 6p24.3.
Variant type: single nucleotide variant.
Coding change: c.5875T>C on transcript NM_004415.4 (MANE Select); coding-DNA position 5875, T replaced by C.
Protein change: p.Trp1959Arg; replaces tryptophan 1959 with arginine.
Molecular consequence: missense variant.
Genome position (GRCh38, 1-based): chr6:7,583,137, T>C. VCF-style: chr6-7583137-T-C. GRCh37 (hg19) VCF-style: chr6-7583370-T-C.
Other names: c.4078T>C, p.Trp1360Arg (NM_001008844.3); c.4546T>C, p.Trp1516Arg (NM_001319034.2); short protein forms W1516R, W1360R, W1959R.
Identifiers: ClinVar variation 923470 (VCV000923470.7), dbSNP rs1759501923, ClinGen allele CA362689605.

ClinVar aggregate classification (germline): Uncertain significance. Review status: criteria provided, multiple submitters, no conflicts (2 of 4 stars). 2 submissions from 2 submitters: Uncertain significance (2). Last evaluated 2024-03-06.

Conditions:
Arrhythmogenic right ventricular dysplasia 8 (ARVD8). Also called: Arrhythmogenic Right Ventricular Dysplasia/Cardiomyopathy 8; ARRHYTHMOGENIC RIGHT VENTRICULAR DYSPLASIA, FAMILIAL, 8; ARRHYTHMOGENIC RIGHT VENTRICULAR CARDIOMYOPATHY 8. Identifiers: MedGen C1843896, MONDO:0011831, OMIM 607450.
Arrhythmogenic cardiomyopathy with wooly hair and keratoderma. Also called: PALMOPLANTAR KERATODERMA WITH LEFT VENTRICULAR CARDIOMYOPATHY AND WOOLLY HAIR; Carvajal syndrome; Dilated cardiomyopathy with woolly hair and keratoderma; Arrhythmogenic cardiomyopathy with woolly hair and keratoderma. Identifiers: Orphanet 65282, MedGen C1854063, MONDO:0011581, OMIM 605676.
Cardiomyopathy (CMYO). Also called: Cardiomyopathies. Identifiers: Orphanet 167848, MedGen C0878544, MONDO:0004994, HP:0001638. Inheritance: Various modes of inheritance.

Allele frequency attached by ClinVar (database versions not stated): gnomAD 0.00001.
gnomAD v4.1: 2 of 1,612,870 alleles (0.00012%); highest among the groups gnomAD compares: African/African-American, 0.0013%; no homozygotes.

Submissions (2):

Color Diagnostics, LLC DBA Color Health
Classification: Uncertain significance for Cardiomyopathy. Last evaluated: 2024-03-06. Review status: criteria provided, single submitter. Criteria: ACMG Guidelines, 2015. Collection method: clinical testing. Allele origin: germline.
Comment: This missense variant replaces tryptophan with arginine at codon 1959 of the DSP protein. Computational prediction suggests that this variant may not impact protein structure and function (internally defined REVEL score threshold <= 0.5, PMID: 27666373). Splice site prediction tools suggest that this variant may not impact RNA splicing. To our knowledge, functional studies have not been performed for this variant. This variant has not been reported in individuals affected with cardiovascular disorders in the literature. This variant has not been identified in the general population by the Genome Aggregation Database (gnomAD). The available evidence is insufficient to determine the role of this variant in disease conclusively. Therefore, this variant is classified as a Variant of Uncertain Significance.

Labcorp Genetics (formerly Invitae), Labcorp
Classification: Uncertain significance for Arrhythmogenic cardiomyopathy with wooly hair and keratoderma; Arrhythmogenic right ventricular dysplasia 8. Last evaluated: 2023-11-15. Review status: criteria provided, single submitter. Criteria: Invitae Variant Classification Sherloc (09022015). Collection method: clinical testing. Allele origin: germline.
Comment: This sequence change replaces tryptophan, which is neutral and slightly polar, with arginine, which is basic and polar, at codon 1959 of the DSP protein (p.Trp1959Arg). This variant is not present in population databases (gnomAD no frequency). This variant has not been reported in the literature in individuals affected with DSP-related conditions. ClinVar contains an entry for this variant (Variation ID: 923470). An algorithm developed to predict the effect of missense changes on protein structure and function (PolyPhen-2) suggests that this variant is likely to be disruptive. In summary, the available evidence is currently insufficient to determine the role of this variant in disease. Therefore, it has been classified as a Variant of Uncertain Significance.